The following is an entry in ClinVar:

ClinVar aggregate classification (germline): Uncertain significance (1 of 4 stars; one submission).

Conditions:
Dyskeratosis congenita. Identifiers: Orphanet 1775, MedGen C0265965, MONDO:0015780.

Submission:

Labcorp Genetics (formerly Invitae), Labcorp
Classification: Uncertain significance for Dyskeratosis congenita. Last evaluated: 2023-07-12. Review status: criteria provided, single submitter. Criteria: Invitae Variant Classification Sherloc (09022015). Collection method: clinical testing. Allele origin: germline.
Comment: In summary, the available evidence is currently insufficient to determine the role of this variant in disease. Therefore, it has been classified as a Variant of Uncertain Significance. An algorithm developed to predict the effect of missense changes on protein structure and function (PolyPhen-2) suggests that this variant is likely to be disruptive. This variant has not been reported in the literature in individuals affected with TINF2-related conditions. This variant is not present in population databases (gnomAD no frequency). This sequence change replaces alanine, which is neutral and non-polar, with proline, which is neutral and non-polar, at codon 99 of the TINF2 protein (p.Ala99Pro).

NM_001099274.3(TINF2):c.295G>C (p.Ala99Pro)

Gene: TINF2 (TERF1 interacting nuclear factor 2; minus strand). Cytogenetic location: 14q12.
Variant type: single nucleotide variant.
Coding change: c.295G>C on transcript NM_001099274.3 (MANE Select); coding-DNA position 295, G replaced by C.
Protein change: p.Ala99Pro; replaces alanine 99 with proline.
Molecular consequence: missense variant. On other transcripts: intron variant (1).
Genome position (GRCh38, 1-based): chr14:24,241,892, C>G on the plus strand (G>C on the coding strand, the complement: TINF2 is on the minus strand). VCF-style: chr14-24241892-C-G. GRCh37 (hg19) VCF-style: chr14-24711098-C-G.
Other names: c.295G>C, p.Ala99Pro (NM_012461.3); c.193-116G>C (NM_001363668.2); short protein forms A99P.
Identifiers: ClinVar variation 2876815 (VCV002876815.3), dbSNP rs761179618, ClinGen allele CA389233706.